The following is an entry in ClinVar:

ClinVar aggregate classification (germline): Pathogenic (1 of 4 stars; one submission).

Submission:

GeneDx
Classification: Pathogenic. Last evaluated: 2014-02-25. Review status: criteria provided, single submitter. Criteria: GeneDx Variant Classification (06012015). Collection method: clinical testing. Allele origin: germline. Affected: yes.
Comment: c.1764-1 G>C: IVS15-1 G>C in intron 15 of the KCNQ2 gene (NM_172107.2) The c.1764-1 G>C splice site mutation in the KCNQ2 gene destroys the canonical splice acceptor site in intron 15. It is predicted to cause abnormal gene splicing, either leading to an abnormal message that is subject to nonsense-mediated mRNA decay, or to an abnormal protein product if the message is used for protein translation. Although this mutation has not been previously reported to our knowledge, its presence is consistent with a diagnosis of a KCNQ2-related disorder. The variant is found in INFANT-EPI panel(s).

NM_172107.4(KCNQ2):c.1764-1G>C

Gene: KCNQ2 (potassium voltage-gated channel subfamily Q member 2; minus strand). Cytogenetic location: 20q13.33.
Variant type: single nucleotide variant.
Coding change: c.1764-1G>C on transcript NM_172107.4 (MANE Select); the canonical splice acceptor site of the intron before coding-DNA position 1764, G replaced by C.
Molecular consequence: splice acceptor variant.
Genome position (GRCh38, 1-based): chr20:63,408,537, C>G on the plus strand (G>C on the coding strand, the complement: KCNQ2 is on the minus strand). VCF-style: chr20-63408537-C-G. GRCh37 (hg19) VCF-style: chr20-62039890-C-G.
Other names: c.1680-1G>C (NM_004518.6); c.1671-1G>C (NM_172108.5); c.1707-1G>C (NM_001439003.1); c.1710-1G>C (NM_172106.3); c.1818-1G>C (NM_001382235.1); c.1677-1G>C (NM_001439004.1).
Identifiers: ClinVar variation 205910 (VCV000205910.4), dbSNP rs796052649, ClinGen allele CA315457.